The following is an entry in ClinVar:

NM_015915.5(ATL1):c.884A>G (p.Lys295Arg)

Gene: ATL1 (atlastin GTPase 1; plus strand). Cytogenetic location: 14q22.1.
Variant type: single nucleotide variant.
Coding change: c.884A>G on transcript NM_015915.5 (MANE Select); coding-DNA position 884, A replaced by G.
Protein change: p.Lys295Arg; replaces lysine 295 with arginine.
Molecular consequence: missense variant.
Genome position (GRCh38, 1-based): chr14:50,620,620, A>G. VCF-style: chr14-50620620-A-G. GRCh37 (hg19) VCF-style: chr14-51087338-A-G.
Other names: c.884A>G, p.Lys295Arg (NM_001127713.1, NM_181598.4); short protein forms K295R.
Identifiers: ClinVar variation 2177157 (VCV002177157.5), dbSNP rs771780629, ClinGen allele CA7180361.

ClinVar aggregate classification (germline): Uncertain significance. Review status: criteria provided, multiple submitters, no conflicts (2 of 4 stars). 2 submissions from 2 submitters: Uncertain significance (2). Last evaluated 2024-03-31.

Conditions:
Hereditary spastic paraplegia 3A (SPG3A). Also called: SPASTIC PARAPLEGIA 3, AUTOSOMAL DOMINANT; FAMILIAL SPASTIC PARAPLEGIA, AUTOSOMAL DOMINANT, 1; SPG3; STRUMPELL DISEASE; Spastic Paraplegia 3A; Spastic paraplegia 3A, autosomal dominant. Identifiers: Orphanet 100984, MedGen C2931355, MONDO:0008437, OMIM 182600.
Inborn genetic diseases. Identifiers: MedGen C0950123, MeSH D030342.

Allele frequency attached by ClinVar (database versions not stated): ExAC 0.00001; gnomAD 0.00001; gnomAD exomes 0.00001; TOPMed 0.00001.
gnomAD v4.1: 15 of 1,613,294 alleles (0.00093%); highest among the groups gnomAD compares: Non-Finnish European, 0.0012%; no homozygotes.

Submissions (2):

Ambry Genetics
Classification: Uncertain significance for Inborn genetic diseases. Last evaluated: 2024-03-31. Review status: criteria provided, single submitter. Criteria: Ambry Variant Classification Scheme 2023. Collection method: clinical testing. Allele origin: germline.

Labcorp Genetics (formerly Invitae), Labcorp
Classification: Uncertain significance for Hereditary spastic paraplegia 3A. Last evaluated: 2022-02-19. Review status: criteria provided, single submitter. Criteria: Invitae Variant Classification Sherloc (09022015). Collection method: clinical testing. Allele origin: germline.
Comment: This sequence change replaces lysine, which is basic and polar, with arginine, which is basic and polar, at codon 295 of the ATL1 protein (p.Lys295Arg). This variant is present in population databases (rs771780629, gnomAD 0.0009%). This variant has not been reported in the literature in individuals affected with ATL1-related conditions. Advanced modeling of protein sequence and biophysical properties (such as structural, functional, and spatial information, amino acid conservation, physicochemical variation, residue mobility, and thermodynamic stability) performed at Invitae indicates that this missense variant is not expected to disrupt ATL1 protein function. In summary, the available evidence is currently insufficient to determine the role of this variant in disease. Therefore, it has been classified as a Variant of Uncertain Significance.